The following is an entry in ClinVar:

NM_000138.5(FBN1):c.5789A>T (p.Asp1930Val)

Gene: FBN1 (fibrillin 1; minus strand). Cytogenetic location: 15q21.1.
Variant type: single nucleotide variant.
Coding change: c.5789A>T on transcript NM_000138.5 (MANE Select); coding-DNA position 5789, A replaced by T.
Protein change: p.Asp1930Val; replaces aspartic acid 1930 with valine.
Molecular consequence: missense variant.
Genome position (GRCh38, 1-based): chr15:48,445,504, T>A on the plus strand (A>T on the coding strand, the complement: FBN1 is on the minus strand). VCF-style: chr15-48445504-T-A. GRCh37 (hg19) VCF-style: chr15-48737701-T-A.
Other names: c.5789A>T, p.Asp1930Val (NM_001406716.1); short protein forms D1930V.
Identifiers: ClinVar variation 4786587 (VCV004786587.1).

ClinVar aggregate classification (germline): Uncertain significance (1 of 4 stars; one submission).

Conditions:
Marfan syndrome (MFS). Also called: FBN1-Related Marfan Syndrome; MARFAN SYNDROME, TYPE I; Marfan syndrome type 1; Marfan's syndrome; Marfan syndrome, classic. Identifiers: Orphanet 284963, Orphanet 558, MedGen C0024796, MONDO:0007947, OMIM 154700.
Familial thoracic aortic aneurysm and aortic dissection (TAAD). Also called: Thoracic aortic aneurysms and dissections. Identifiers: Orphanet 91387, MedGen C4707243, MONDO:0019625.

Submission:

Labcorp Genetics (formerly Invitae), Labcorp
Classification: Uncertain significance for Marfan syndrome; Familial thoracic aortic aneurysm and aortic dissection. Last evaluated: 2025-11-03. Review status: criteria provided, single submitter. Criteria: Invitae Variant Classification Sherloc (09022015). Collection method: clinical testing. Allele origin: germline.
Comment: This sequence change replaces aspartic acid, which is acidic and polar, with valine, which is neutral and non-polar, at codon 1930 of the FBN1 protein (p.Asp1930Val). This variant is not present in population databases (gnomAD no frequency). This variant has not been reported in the literature in individuals affected with FBN1-related conditions. An algorithm developed to predict the effect of missense changes on protein structure and function (PolyPhen-2) suggests that this variant is likely to be disruptive. Algorithms developed to predict the effect of sequence changes on RNA splicing suggest that this variant may disrupt the consensus splice site. This variant disrupts the p.Asp1930 amino acid residue in FBN1. Other variant(s) that disrupt this residue have been determined to be pathogenic (PMID: 21883168; internal data). This suggests that this residue is clinically significant, and that variants that disrupt this residue are likely to be disease-causing. In summary, the available evidence is currently insufficient to determine the role of this variant in disease. Therefore, it has been classified as a Variant of Uncertain Significance.

Literature cited by the submitters: PubMed 21883168.